The following is an entry in ClinVar:

ClinVar aggregate classification (germline): Uncertain significance. Review status: criteria provided, multiple submitters, no conflicts (2 of 4 stars). 2 submissions from 2 submitters: Uncertain significance (2). Last evaluated 2025-06-15.

Conditions:
Inborn genetic diseases. Identifiers: MedGen C0950123, MeSH D030342.
Brachyolmia-amelogenesis imperfecta syndrome. Also called: PLATYSPONDYLY WITH AMELOGENESIS IMPERFECTA; Tooth agenesis, selective, 6; Dental anomalies and short stature. Identifiers: Orphanet 2899, MedGen C1832594, MONDO:0011018, OMIM 601216. Disease mechanism: loss of function.

Allele frequency attached by ClinVar (database versions not stated): TOPMed below 0.00001; gnomAD 0.00001; ExAC 0.00003.
gnomAD v4.1: 6 of 1,589,326 alleles (0.00038%); highest among the groups gnomAD compares: East Asian, 0.0023%; no homozygotes.

Submissions (2):

Labcorp Genetics (formerly Invitae), Labcorp
Classification: Uncertain significance for Brachyolmia-amelogenesis imperfecta syndrome. Last evaluated: 2025-06-15. Review status: criteria provided, single submitter. Criteria: Invitae Variant Classification Sherloc (09022015). Collection method: clinical testing. Allele origin: germline.
Comment: This sequence change replaces arginine, which is basic and polar, with tryptophan, which is neutral and slightly polar, at codon 1047 of the LTBP3 protein (p.Arg1047Trp). The frequency data for this variant in the population databases is considered unreliable, as metrics indicate poor data quality at this position in the gnomAD database. This variant has not been reported in the literature in individuals affected with LTBP3-related conditions. ClinVar contains an entry for this variant (Variation ID: 1421476). An algorithm developed to predict the effect of missense changes on protein structure and function (PolyPhen-2) suggests that this variant is likely to be disruptive. In summary, the available evidence is currently insufficient to determine the role of this variant in disease. Therefore, it has been classified as a Variant of Uncertain Significance.

Ambry Genetics
Classification: Uncertain significance for Inborn genetic diseases. Last evaluated: 2025-03-04. Review status: criteria provided, single submitter. Criteria: Ambry Variant Classification Scheme 2023. Collection method: clinical testing. Allele origin: germline.
Comment: The p.R1047W variant (also known as c.3139C>T), located in coding exon 23 of the LTBP3 gene, results from a C to T substitution at nucleotide position 3139. The arginine at codon 1047 is replaced by tryptophan, an amino acid with dissimilar properties. This amino acid position is conserved. In addition, the in silico prediction for this alteration is inconclusive. Based on the available evidence, the clinical significance of this variant remains unclear.

NM_001130144.3(LTBP3):c.3139C>T (p.Arg1047Trp)

Genes: LTBP3 (latent transforming growth factor beta binding protein 3; minus strand), LOC121832793 (Sharpr-MPRA regulatory region 4001; plus strand). Cytogenetic location: 11q13.1.
Variant type: single nucleotide variant.
Coding change: c.3139C>T on transcript NM_001130144.3 (MANE Select); coding-DNA position 3139, C replaced by T.
Protein change: p.Arg1047Trp; replaces arginine 1047 with tryptophan.
Molecular consequence: missense variant.
Genome position (GRCh38, 1-based): chr11:65,540,350, G>A on the plus strand (C>T on the coding strand, the complement: LTBP3 is on the minus strand). VCF-style: chr11-65540350-G-A. GRCh37 (hg19) VCF-style: chr11-65307821-G-A.
Other names: c.3139C>T (NM_001130144.2); c.2788C>T, p.Arg930Trp (NM_001164266.1); c.3139C>T, p.Arg1047Trp (NM_021070.4); short protein forms R1047W, R930W.
Identifiers: ClinVar variation 1421476 (VCV001421476.7), dbSNP rs759123551, ClinGen allele CA6100321.